The following is an entry in ClinVar:

NM_014714.4(IFT140):c.508G>A (p.Ala170Thr)

Genes: IFT140 (intraflagellar transport 140; minus strand), LOC105371046 (uncharacterized LOC105371046; plus strand). Cytogenetic location: 16p13.3.
Variant type: single nucleotide variant.
Coding change: c.508G>A on transcript NM_014714.4 (MANE Select); coding-DNA position 508, G replaced by A.
Protein change: p.Ala170Thr; replaces alanine 170 with threonine.
Molecular consequence: missense variant.
Genome position (GRCh38, 1-based): chr16:1,592,302, C>T on the plus strand (G>A on the coding strand, the complement: IFT140 is on the minus strand). VCF-style: chr16-1592302-C-T. GRCh37 (hg19) VCF-style: chr16-1642303-C-T.
Other names: short protein forms A170T.
Identifiers: ClinVar variation 960543 (VCV000960543.9), dbSNP rs145551546, ClinGen allele CA7814667.

ClinVar aggregate classification (germline): Uncertain significance. Review status: criteria provided, multiple submitters, no conflicts (2 of 4 stars). 5 submissions from 5 submitters: Uncertain significance (4). 1 of the submissions does not count toward it. Last evaluated 2024-11-25.

Conditions:
Saldino-Mainzer syndrome (SRTD9). Also called: Renal dysplasia, retinal pigmentary dystrophy, cerebellar ataxia and skeletal dysplasia; SHORT-RIB THORACIC DYSPLASIA 9 WITHOUT POLYDACTYLY; CONORENAL SYNDROME; short-rib thoracic dysplasia 9 with or without polydactyly. Identifiers: Orphanet 140969, MedGen C1849437, MONDO:0009964, OMIM 266920.
Retinitis pigmentosa 80 (RP80). Identifiers: MedGen C4540439, MONDO:0054708, OMIM 617781.
Inborn genetic diseases. Identifiers: MedGen C0950123, MeSH D030342.
Retinal dystrophy. Also called: Inherited retinal dystrophy. Identifiers: Orphanet 71862, MedGen C0854723, MeSH D058499, MONDO:0019118, HP:0000556.

Allele frequency attached by ClinVar (database versions not stated): gnomAD 0.00003; TOPMed 0.00003; gnomAD exomes 0.00004 and 0.00006; ExAC 0.00008; ESP Exome Variant Server 0.00015.
gnomAD v4.1: 64 of 1,614,060 alleles (0.004%); highest among the groups gnomAD compares: Middle Eastern, 0.033%; no homozygotes.

Submissions (5):

Ambry Genetics
Classification: Uncertain significance for Inborn genetic diseases. Last evaluated: 2024-11-25. Review status: criteria provided, single submitter. Criteria: Ambry Variant Classification Scheme 2023. Collection method: clinical testing. Allele origin: germline.

Blueprint Genetics
Classification: Uncertain significance. Last evaluated: 2024-11-01. Review status: criteria provided, single submitter. Criteria: ACMG Guidelines, 2015. Collection method: clinical testing. Allele origin: germline.

Labcorp Genetics (formerly Invitae), Labcorp
Classification: Uncertain significance for Saldino-Mainzer syndrome. Last evaluated: 2022-05-25. Review status: criteria provided, single submitter. Criteria: Invitae Variant Classification Sherloc (09022015). Collection method: clinical testing. Allele origin: germline.
Comment: This sequence change replaces alanine, which is neutral and non-polar, with threonine, which is neutral and polar, at codon 170 of the IFT140 protein (p.Ala170Thr). This variant is present in population databases (rs145551546, gnomAD 0.05%). This variant has not been reported in the literature in individuals affected with IFT140-related conditions. ClinVar contains an entry for this variant (Variation ID: 960543). Algorithms developed to predict the effect of missense changes on protein structure and function are either unavailable or do not agree on the potential impact of this missense change (SIFT: "Deleterious"; PolyPhen-2: "Probably Damaging"; Align-GVGD: "Class C0"). In summary, the available evidence is currently insufficient to determine the role of this variant in disease. Therefore, it has been classified as a Variant of Uncertain Significance.

Fulgent Genetics
Classification: Uncertain significance for Saldino-Mainzer syndrome; Retinitis pigmentosa 80. Last evaluated: 2022-02-10. Review status: criteria provided, single submitter. Criteria: ACMG Guidelines, 2015. Collection method: clinical testing. Allele origin: unknown.

Institute of Human Genetics, Univ. Regensburg, Univ. Regensburg
Classification: Uncertain significance for Retinal dystrophy. Last evaluated: 2023-01-01. Review status: no assertion criteria provided. Criteria: ACMG Guidelines, 2015. Collection method: clinical testing. Allele origin: germline. Affected: yes. Not counted in ClinVar's aggregate classification.